The following is an entry in ClinVar:

ClinVar aggregate classification (germline): Benign (1 of 4 stars; one submission).

Allele frequency attached by ClinVar (database versions not stated): TOPMed 0.29243; ESP Exome Variant Server 0.29433; gnomAD 0.30256; gnomAD exomes 0.31930; ExAC 0.33039; 1000 Genomes Project 30x 0.37258; 1000 Genomes Project 0.38159.
gnomAD v4.1: 512,117 of 1,608,758 alleles (32%); highest among the groups gnomAD compares: South Asian, 56%; 87,116 homozygotes.

Submission:

Unidad de Genómica Garrahan, Hospital de Pediatría Garrahan
Classification: Benign. Last evaluated: 2024-01-24. Review status: criteria provided, single submitter. Criteria: ACMG Guidelines, 2015. Collection method: clinical testing. Allele origin: germline. Affected: no. Observed: 34 variant alleles.
Comment: This variant is classified as Benign based on local population frequency. This variant was detected in 39% of patients studied by a panel of primary immunodeficiencies. Number of patients: 34. Only high quality variants are reported.

NM_144701.3(IL23R):c.798+27G>A

Gene: IL23R (interleukin 23 receptor; plus strand). Cytogenetic location: 1p31.3.
Variant type: single nucleotide variant.
Coding change: c.798+27G>A on transcript NM_144701.3 (MANE Select); 27 bases into the intron after coding-DNA position 798, G replaced by A.
Molecular consequence: intron variant.
Genome position (GRCh38, 1-based): chr1:67,207,082, G>A. VCF-style: chr1-67207082-G-A. GRCh37 (hg19) VCF-style: chr1-67672765-G-A.
Identifiers: ClinVar variation 2688442 (VCV002688442.2), dbSNP rs7539625, ClinGen allele CA899817.